The following is an entry in ClinVar:

ClinVar aggregate classification (germline): Likely benign. Review status: criteria provided, single submitter (1 of 4 stars). 2 submissions from 2 submitters: Likely benign (1). 1 of the submissions does not count toward it. Last evaluated 2025-02-24.

Conditions:
ARFGEF2-related disorder. Also called: ARFGEF2-related condition.

Allele frequency attached by ClinVar (database versions not stated): gnomAD 0.00004; ExAC 0.00006; TOPMed 0.00007; gnomAD exomes 0.00005; ESP Exome Variant Server 0.00008.
gnomAD v4.1: 78 of 1,614,018 alleles (0.0048%); highest among the groups gnomAD compares: Middle Eastern, 0.016%; no homozygotes.

Submissions (2):

Labcorp Genetics (formerly Invitae), Labcorp
Classification: Likely benign. Last evaluated: 2025-02-24. Review status: criteria provided, single submitter. Criteria: Invitae Variant Classification Sherloc (09022015). Collection method: clinical testing. Allele origin: germline.

PreventionGenetics, part of Exact Sciences
Classification: Likely benign for ARFGEF2-related condition. Last evaluated: 2021-09-02. Review status: no assertion criteria provided. Collection method: clinical testing. Allele origin: germline. Not counted in ClinVar's aggregate classification.
Comment: This variant is classified as likely benign based on ACMG/AMP sequence variant interpretation guidelines (Richards et al. 2015 PMID: 25741868, with internal and published modifications).

NM_006420.3(ARFGEF2):c.4120C>T (p.Leu1374=)

Gene: ARFGEF2 (ARF guanine nucleotide exchange factor 2; plus strand). Cytogenetic location: 20q13.13.
Variant type: single nucleotide variant.
Coding change: c.4120C>T on transcript NM_006420.3 (MANE Select); coding-DNA position 4120, C replaced by T.
Protein change: p.Leu1374=; no amino-acid change (leucine 1374 retained).
Molecular consequence: synonymous variant.
Genome position (GRCh38, 1-based): chr20:49,013,901, C>T. VCF-style: chr20-49013901-C-T. GRCh37 (hg19) VCF-style: chr20-47630438-C-T.
Other names: c.4117C>T, p.Leu1373= (NM_001410846.1); c.4120C>T (NM_006420.2).
Identifiers: ClinVar variation 2103160 (VCV002103160.6), dbSNP rs139603274, ClinGen allele CA9899125.